The following is an entry in ClinVar:

NM_025136.4(OPA3):c.142+5G>C

Genes: OPA3 (outer mitochondrial membrane lipid metabolism regulator OPA3; minus strand), OPA3-RTN2 (OPA3-RTN2 readthrough; minus strand). Cytogenetic location: 19q13.32.
Variant type: single nucleotide variant.
Coding change: c.142+5G>C on transcript NM_025136.4 (MANE Select); 5 bases into the intron after coding-DNA position 142, G replaced by C.
Molecular consequence: intron variant.
Genome position (GRCh38, 1-based): chr19:45,584,618, C>G on the plus strand (G>C on the coding strand, the complement: OPA3 is on the minus strand). VCF-style: chr19-45584618-C-G. GRCh37 (hg19) VCF-style: chr19-46087876-C-G.
Other names: c.142+5G>C (NM_001017989.3).
Identifiers: ClinVar variation 553096 (VCV000553096.21), dbSNP rs1250409781, ClinGen allele CA633346420.

ClinVar aggregate classification (germline): Conflicting classifications of pathogenicity. Review status: criteria provided, conflicting classifications (1 of 4 stars). 8 submissions from 8 submitters: Likely pathogenic (3); Uncertain significance (4). 1 of the submissions does not count toward it. Last evaluated 2026-01-20.

Conditions:
3-Methylglutaconic aciduria type 3 (MGCA3). Also called: Costeff Syndrome; OPA3, AUTOSOMAL RECESSIVE; OPTIC ATROPHY 3, AUTOSOMAL RECESSIVE; OPA3-Related 3-Methylglutaconic Aciduria. Identifiers: Orphanet 67047, MedGen C0574084, MONDO:0009787, OMIM 258501.
Optic atrophy 3 (OPA3). Also called: Optic atrophy, cataract, and neurologic disorder; OPTIC ATROPHY 3, AUTOSOMAL DOMINANT; Optic atrophy 3 with cataract. Identifiers: Orphanet 67036, MedGen C1833809, MONDO:0008133, OMIM 165300.

Allele frequency attached by ClinVar (database versions not stated): gnomAD exomes below 0.00001.
gnomAD v4.1: 4 of 1,614,212 alleles (0.00025%); highest among the groups gnomAD compares: South Asian, 0.0044%; no homozygotes.

Submissions (8):

Labcorp Genetics (formerly Invitae), Labcorp
Classification: Likely pathogenic for 3-Methylglutaconic aciduria type 3; Optic atrophy 3. Last evaluated: 2026-01-20. Review status: criteria provided, single submitter. Criteria: Invitae Variant Classification Sherloc (09022015). Collection method: clinical testing. Allele origin: germline.
Comment: This sequence change falls in intron 1 of the OPA3 gene. It does not directly change the encoded amino acid sequence of the OPA3 protein. It affects a nucleotide within the consensus splice site. This variant is present in population databases (no rsID available, gnomAD 0.003%). This variant has been observed in individual(s) with OPA3-related 3-methylglutaconic aciduria (PMID: 24749080). In at least one individual the data is consistent with being in trans (on the opposite chromosome) from a pathogenic variant. It has also been observed to segregate with disease in related individuals. ClinVar contains an entry for this variant (Variation ID: 553096). Variants that disrupt the consensus splice site are a relatively common cause of aberrant splicing (PMID: 17576681, 9536098). Algorithms developed to predict the effect of sequence changes on RNA splicing suggest that this variant may disrupt the consensus splice site. In summary, the currently available evidence indicates that the variant is pathogenic, but additional data are needed to prove that conclusively. Therefore, this variant has been classified as Likely Pathogenic.

Natera, Inc.
Classification: Likely pathogenic for 3-methylglutaconic aciduria type 3. Last evaluated: 2025-12-22. Review status: criteria provided, single submitter. Criteria: Natera Variant Classification Schema (03/2026). Collection method: clinical testing. Allele origin: germline.
Comment: The c.142+5G>C variant in OPA3 is an intronic variant located outside the canonical splice sites. This variant is rare in the general population with a frequency below the threshold expected for the associated phenotype(s). This variant has been observed to segregate in affected family members (PMID: 24749080). Functional studies show that this variant may disrupt protein function (PMID: 24749080). Computational prediction algorithms indicate this variant is likely to affect gene or protein function. Given the available evidence, this variant is classified as Likely Pathogenic.

Fulgent Genetics
Classification: Likely pathogenic for Optic atrophy 3; 3-Methylglutaconic aciduria type 3. Last evaluated: 2024-06-12. Review status: criteria provided, single submitter. Criteria: ACMG Guidelines, 2015. Collection method: clinical testing. Allele origin: germline.

Blueprint Genetics
Classification: Uncertain significance. Last evaluated: 2021-12-15. Review status: criteria provided, single submitter. Criteria: ACMG Guidelines, 2015. Collection method: clinical testing. Allele origin: germline.

Kasturba Medical College, Manipal, Kasturba Medical College, Manipal, Manipal Academy of Higher Education, Manipal, India
Classification: Uncertain significance for 3-Methylglutaconic aciduria type 3. Last evaluated: 2020-11-12. Review status: criteria provided, single submitter. Criteria: ACMG Guidelines, 2015. Collection method: clinical testing. Allele origin: inherited. Inheritance: Autosomal recessive inheritance. Affected: yes. Observed: 1 homozygote.

Neuberg Centre For Genomic Medicine, NCGM
Classification: Uncertain significance for 3-Methylglutaconic aciduria type 3. Review status: criteria provided, single submitter. Criteria: ACMG Guidelines, 2015. Collection method: clinical testing. Allele origin: germline. Inheritance: Autosomal recessive inheritance. Affected: yes.
Comment: The OPA3 c.142+5G>C variant has been reported in compond heterozygous state in individuals affected with 3-methylglutaconic aciduria, type III (Christina et. al., 2014). The c.142+5G>C variant is novel (not in any individuals) in 1000 Genomes and has allele frequency of 0.0004% in gnomAD database. This variant has been reported to the ClinVar database as Likely pathogenic and Uncertain Significance. The variant does not affect an invariant splice nucleotide and in the absence of functional studies, this variant has been classified as Variant of Uncertain Significance (VUS).

Suma Genomics
Classification: Uncertain significance for 3-Methylglutaconic aciduria type 3. Review status: criteria provided, single submitter. Criteria: ACMG Guidelines, 2015. Collection method: clinical testing. Allele origin: inherited. Inheritance: Autosomal recessive inheritance. Affected: yes.

Counsyl
Classification: Uncertain significance for 3-Methylglutaconic aciduria type 3. Last evaluated: 2017-08-02. Review status: no assertion criteria provided. Collection method: clinical testing. Allele origin: unknown. Not counted in ClinVar's aggregate classification.

Literature cited by the submitters: PubMed 24749080 (cited by 3 submitters); PubMed 17576681 (cited by Labcorp Genetics (formerly Invitae), Labcorp); PubMed 9536098 (cited by Labcorp Genetics (formerly Invitae), Labcorp).